The following is an entry in ClinVar:

ClinVar aggregate classification (germline): Uncertain significance (1 of 4 stars; one submission).

gnomAD v4.1: 7 of 1,613,104 alleles (0.00043%); highest among the groups gnomAD compares: South Asian, 0.0044%; 1 homozygote.

Submission:

Women's Health and Genetics/Laboratory Corporation of America, LabCorp
Classification: Uncertain significance. Last evaluated: 2026-01-09. Review status: criteria provided, single submitter. Criteria: LabCorp Variant Classification Summary - May 2015. Collection method: clinical testing. Allele origin: germline.
Comment: Variant summary: SEPTIN9 c.781G>A (p.Val261Met) results in a conservative amino acid change in the encoded protein sequence. Algorithms developed to predict the effect of missense changes on protein structure and function are either unavailable or do not agree on the potential impact of this missense change. The variant allele was found at a frequency of 1.1e-05 in 279666 control chromosomes. The available data on variant occurrences in the general population are insufficient to allow any conclusion about variant significance. To our knowledge, no occurrence of c.781G>A in individuals affected with SEPTIN9-related conditions and no experimental evidence demonstrating its impact on protein function have been reported. No submitters have cited clinical-significance assessments for this variant to ClinVar. Based on the evidence outlined above, the variant was classified as uncertain significance.

NM_001113491.2(SEPTIN9):c.835G>A (p.Val279Met)

Gene: SEPTIN9 (septin 9; plus strand). Cytogenetic location: 17q25.3.
Variant type: single nucleotide variant.
Coding change: c.835G>A on transcript NM_001113491.2 (MANE Select); coding-DNA position 835, G replaced by A.
Protein change: p.Val279Met; replaces valine 279 with methionine.
Molecular consequence: missense variant.
Genome position (GRCh38, 1-based): chr17:77,482,257, G>A. VCF-style: chr17-77482257-G-A. GRCh37 (hg19) VCF-style: chr17-75478339-G-A.
Other names: c.343G>A, p.Val115Met (NM_001113492.2, NM_001113494.1); c.814G>A, p.Val272Met (NM_001113493.2); c.82G>A, p.Val28Met (NM_001113495.2, NM_001113496.2, NM_001293697.2 and 1 more transcripts); c.778G>A, p.Val260Met (NM_001293695.2); c.163G>A, p.Val55Met (NM_001293696.2); c.781G>A, p.Val261Met (NM_006640.5); short protein forms V115M, V260M, V261M, V272M, V279M, V28M, V55M.
Identifiers: ClinVar variation 4689515 (VCV004689515.1).